The following is an entry in ClinVar:

NM_015100.4(POGZ):c.3793G>C (p.Asp1265His)

Gene: POGZ (pogo transposable element derived with ZNF domain; minus strand). Cytogenetic location: 1q21.3.
Variant type: single nucleotide variant.
Coding change: c.3793G>C on transcript NM_015100.4 (MANE Select); coding-DNA position 3793, G replaced by C.
Protein change: p.Asp1265His; replaces aspartic acid 1265 with histidine.
Molecular consequence: missense variant.
Genome position (GRCh38, 1-based): chr1:151,405,242, C>G on the plus strand (G>C on the coding strand, the complement: POGZ is on the minus strand). VCF-style: chr1-151405242-C-G. GRCh37 (hg19) VCF-style: chr1-151377718-C-G.
Other names: c.3766G>C, p.Asp1256His (NM_001194937.2); c.3607G>C, p.Asp1203His (NM_001194938.2); c.3814G>C, p.Asp1272His (NM_001410860.1); c.3508G>C, p.Asp1170His (NM_145796.4); c.3634G>C, p.Asp1212His (NM_207171.2); short protein forms D1170H, D1203H, D1212H, D1256H, D1265H, D1272H.
Identifiers: ClinVar variation 3908072 (VCV003908072.1).

ClinVar aggregate classification (germline): Uncertain significance (1 of 4 stars; one submission).

Submission:

GeneDx
Classification: Uncertain significance. Last evaluated: 2024-12-30. Review status: criteria provided, single submitter. Criteria: GeneDx Variant Classification Process June 2021. Collection method: clinical testing. Allele origin: germline. Affected: yes.
Comment: Not observed at significant frequency in large population cohorts (gnomAD); In silico analysis indicates that this missense variant does not alter protein structure/function; Has not been previously published as pathogenic or benign to our knowledge